The following is an entry in ClinVar:

ClinVar aggregate classification (germline): Uncertain significance. Review status: criteria provided, multiple submitters, no conflicts (2 of 4 stars). 4 submissions from 4 submitters: Uncertain significance (4). Last evaluated 2025-12-18.

Conditions:
Cerebral folate transport deficiency. Also called: NEURODEGENERATION DUE TO CEREBRAL FOLATE TRANSPORT DEFICIENCY; Neurodegenerative syndrome due to cerebral folate transport deficiency; Cerebral folate deficiency syndrome; FOLR1-Related Cerebral Folate Transport Deficiency; FOLATE RECEPTOR DEFICIENCY. Identifiers: Orphanet 217382, MedGen C2751584, MONDO:0013110, OMIM 613068. Disease mechanism: loss of function.

Allele frequency attached by ClinVar (database versions not stated): TOPMed below 0.00001; gnomAD 0.00002; gnomAD exomes 0.00002 and 0.00004; ExAC 0.00003.
gnomAD v4.1: 28 of 1,614,090 alleles (0.0017%); highest among the groups gnomAD compares: East Asian, 0.0045%; no homozygotes.

Submissions (4):

Women's Health and Genetics/Laboratory Corporation of America, LabCorp
Classification: Uncertain significance. Last evaluated: 2025-12-18. Review status: criteria provided, single submitter. Criteria: LabCorp Variant Classification Summary - May 2015. Collection method: clinical testing. Allele origin: germline.
Comment: Variant summary: FOLR1 c.665A>G (p.Asn222Ser) results in a conservative amino acid change in the encoded protein sequence. Algorithms developed to predict the effect of missense changes on protein structure and function are either unavailable or do not agree on the potential impact of this missense change. The variant allele was found at a frequency of 4.4e-05 in 251398 control chromosomes. This frequency is not significantly higher than estimated for disease-causing variants in FOLR1, allowing no conclusion about variant significance. c.665A>G has been observed in individual(s) affected with Cerebral folate transport deficiency (example: Grapp_2012, Kanmaz_2021). These data indicate that the variant may be associated with disease. At least one publication experimental studies have shown that this variant affects FOLR1 protein function (example: Grapp_2012). The following publications have been ascertained in the context of this evaluation (PMID: 22586289, 34002331). ClinVar contains an entry for this variant (Variation ID: 1372687). Based on the evidence outlined above, the variant was classified as VUS-possibly pathogenic.

3billion
Classification: Uncertain significance for Cerebral folate transport deficiency. Last evaluated: 2025-07-10. Review status: criteria provided, single submitter. Criteria: ACMG Guidelines, 2015. Collection method: clinical testing. Allele origin: germline. Affected: yes.
Comment: The variant is observed at an extremely low frequency in the gnomAD v4.1.0 dataset (total allele frequency: 0.002%). Predicted Consequence/Location: Missense variant Damaging effect on gene or gene product predicted by in silico programs is uncertain [REVEL: 0.56 (damaging >=0.6, benign <0.4), 3Cnet: 0.70 (damaging >0.75, benign <0.1)]. The same nucleotide change resulting in the same amino acid change has been previously reported to be associated with FOLR1-related disorder (PMID: 22586289). However, the evidence of pathogenicity is insufficient at this time. Therefore, this variant is classified as VUS according to the recommendation of ACMG/AMP guideline.

Blueprint Genetics
Classification: Uncertain significance. Last evaluated: 2021-05-21. Review status: criteria provided, single submitter. Criteria: ACMG Guidelines, 2015. Collection method: clinical testing. Allele origin: germline.

Labcorp Genetics (formerly Invitae), Labcorp
Classification: Uncertain significance for Cerebral folate transport deficiency. Last evaluated: 2021-05-10. Review status: criteria provided, single submitter. Criteria: Invitae Variant Classification Sherloc (09022015). Collection method: clinical testing. Allele origin: germline.
Comment: This sequence change replaces asparagine with serine at codon 222 of the FOLR1 protein (p.Asn222Ser). The asparagine residue is highly conserved and there is a small physicochemical difference between asparagine and serine. This variant is present in population databases (rs745483690, ExAC 0.06%). This variant has been observed in individual(s) with clinical features of cerebral folate deficiency (PMID: 22586289). Experimental studies have shown that this variant affects FOLR1 protein function (PMID: 22586289). Algorithms developed to predict the effect of sequence changes on RNA splicing suggest that this variant may create or strengthen a splice site, but this prediction has not been confirmed by published transcriptional studies. In summary, the available evidence is currently insufficient to determine the role of this variant in disease. Therefore, it has been classified as a Variant of Uncertain Significance.

Literature cited by the submitters: PubMed 22586289 (cited by 3 submitters); PubMed 34002331 (cited by Women's Health and Genetics/Laboratory Corporation of America, LabCorp).

NM_016729.3(FOLR1):c.665A>G (p.Asn222Ser)

Genes: FOLR1 (folate receptor alpha; plus strand), FOLR1-AS1 (FOLR1 antisense RNA 1; minus strand). Cytogenetic location: 11q13.4.
Variant type: single nucleotide variant.
Coding change: c.665A>G on transcript NM_016729.3 (MANE Select); coding-DNA position 665, A replaced by G.
Protein change: p.Asn222Ser; replaces asparagine 222 with serine.
Molecular consequence: missense variant.
Genome position (GRCh38, 1-based): chr11:72,196,068, A>G. VCF-style: chr11-72196068-A-G. GRCh37 (hg19) VCF-style: chr11-71907112-A-G.
Other names: c.665A>G, p.Asn222Ser (NM_000802.3, NM_016724.3, NM_016725.3); short protein forms N222S.
Identifiers: ClinVar variation 1372687 (VCV001372687.11), dbSNP rs745483690, ClinGen allele CA6169242.
Genomic context (GRCh38, chr11:72,196,068, plus strand): 5'-ACAGCCGAGGGAGTGGCCGCTGCATCCAGATGTGGTTCGACCCAGCCCAGGGCAACCCCA[A>G]TGAGGAGGTGGCGAGGTTCTATGCTGCAGCCATGAGTGGGGCTGGGCCCTGGGCAGCCTG-3'
Protein context (NP_057941.1, residues 212-232): MWFDPAQGNP[Asn222Ser]EEVARFYAAA